The following is an entry in ClinVar:

NC_012920.1(MT-CO3):m.9822C>T

Gene: MT-CO3 (mitochondrially encoded cytochrome c oxidase III; plus strand).
Variant type: single nucleotide variant.
Genome position: chrM-9822-C-T.
Identifiers: ClinVar variation 693234 (VCV000693234.1), dbSNP rs1556423729, ClinGen allele CA414803787.

ClinVar aggregate classification (germline): Uncertain significance (1 of 4 stars; one submission).

Conditions:
Leigh syndrome (NULS). Also called: Leigh's necrotizing encephalopathy; Leigh's disease; Leigh Syndrome (mtDNA deletion); Leigh Disease; Subacute necrotizing encephalopathy; Necrotizing encephalopathy infantile subacute of Leigh. Identifiers: Orphanet 506, MedGen C2931891, MONDO:0009723, OMIM 256000.

Submission:

Wong Mito Lab, Molecular and Human Genetics, Baylor College of Medicine
Classification: Uncertain significance for Leigh syndrome. Last evaluated: 2019-10-17. Review status: criteria provided, single submitter. Criteria: Modified ACMG Guidelines (Unpublished). Collection method: clinical testing. Allele origin: germline.
Comment: The NC_012920.1:m.9822C>T (YP_003024032.1:p.Leu206Phe) variant in MTCO3 gene is interpretated to be a Uncertain Significance variant based on the modified ACMG guidelines (unpublished). This variant meets the following evidence codes: BP4